The following is an entry in ClinVar:

ClinVar aggregate classification (germline): Pathogenic/Likely pathogenic. Review status: criteria provided, multiple submitters, no conflicts (2 of 4 stars). 2 submissions from 2 submitters: Pathogenic (1); Likely pathogenic (1). Last evaluated 2025-03-10.

Conditions:
COL11A1-related disorder. Also called: COL11A1-related condition; COL11A1-related disorders.

Submissions (2):

Labcorp Genetics (formerly Invitae), Labcorp
Classification: Pathogenic. Last evaluated: 2025-03-10. Review status: criteria provided, single submitter. Criteria: Invitae Variant Classification Sherloc (09022015). Collection method: clinical testing. Allele origin: germline.
Comment: This sequence change replaces glycine, which is neutral and non-polar, with valine, which is neutral and non-polar, at codon 1471 of the COL11A1 protein (p.Gly1471Val). This variant is not present in population databases (gnomAD no frequency). This missense change has been observed in individual(s) with clinical features of Stickler syndrome (internal data). In at least one individual the variant was observed to be de novo. ClinVar contains an entry for this variant (Variation ID: 2755129). Invitae Evidence Modeling of protein sequence and biophysical properties (such as structural, functional, and spatial information, amino acid conservation, physicochemical variation, residue mobility, and thermodynamic stability) indicates that this missense variant is expected to disrupt COL11A1 protein function with a positive predictive value of 80%. For these reasons, this variant has been classified as Pathogenic.

PreventionGenetics, part of Exact Sciences
Classification: Likely pathogenic for COL11A1-related condition. Last evaluated: 2024-11-03. Review status: criteria provided, single submitter. Criteria: ACMG Guidelines, 2015. Collection method: clinical testing. Allele origin: germline.
Comment: The COL11A1 c.4412G>T variant is predicted to result in the amino acid substitution p.Gly1471Val. To our knowledge, this variant has not been reported in the literature or in a large population database (gnomAD), indicating this variant is rare. A different substitution affecting the same amino acid (p.Gly1471Asp) has been reported in individuals with Marshall/Stickler syndrome (Majava et al. 2007. PubMed ID: 17236192; Supplementary data 1, AlAbdi et al. 2023. PubMed ID: 37644014; reported as p.Gly1355Val, Khan et al. 2021. PubMed ID: 33951325). This variant affects a Gly residue of the conserved Gly-Xaa-Yaa triple helical domain (amino acid residues 529-1542), where substitutions of glycine are usually pathogenic (Richards et al. 2010. PubMed ID: 20513134). This variant is interpreted as likely pathogenic.

NM_001854.4(COL11A1):c.4412G>T (p.Gly1471Val)

Gene: COL11A1 (collagen type XI alpha 1 chain; minus strand). Cytogenetic location: 1p21.1.
Variant type: single nucleotide variant.
Coding change: c.4412G>T on transcript NM_001854.4 (MANE Select); coding-DNA position 4412, G replaced by T.
Protein change: p.Gly1471Val; replaces glycine 1471 with valine.
Molecular consequence: missense variant. On other transcripts: non-coding transcript variant (1).
Genome position (GRCh38, 1-based): chr1:102,889,507, C>A on the plus strand (G>T on the coding strand, the complement: COL11A1 is on the minus strand). VCF-style: chr1-102889507-C-A. GRCh37 (hg19) VCF-style: chr1-103355063-C-A.
Other names: c.4412G>T (NM_001854.3); c.4064G>T, p.Gly1355Val (NM_001168249.1, NM_080630.4); c.4295G>T, p.Gly1432Val (NM_001190709.2); c.4448G>T, p.Gly1483Val (NM_080629.3); short protein forms G1355V, G1471V, G1483V, G1432V.
Identifiers: ClinVar variation 2755129 (VCV002755129.4), dbSNP rs749419834, ClinGen allele CA341212680.